The following is an entry in ClinVar:

NM_001170700.3(DTHD1):c.2096-5T>C

Gene: DTHD1 (death domain containing 1; plus strand). Cytogenetic location: 4p14.
Variant type: single nucleotide variant.
Coding change: c.2096-5T>C on transcript NM_001170700.3 (MANE Select); 5 bases into the intron before coding-DNA position 2096, T replaced by C.
Molecular consequence: intron variant.
Genome position (GRCh38, 1-based): chr4:36,316,237, T>C. VCF-style: chr4-36316237-T-C. GRCh37 (hg19) VCF-style: chr4-36317859-T-C.
Other names: c.1226-5T>C (NM_001136536.5); c.1163-5T>C (NM_001378435.1).
Identifiers: ClinVar variation 2050905 (VCV002050905.4), dbSNP rs946626368, ClinGen allele CA95790179.

ClinVar aggregate classification (germline): Uncertain significance (1 of 4 stars; one submission).

Allele frequency attached by ClinVar (database versions not stated): gnomAD 0.00003; TOPMed 0.00001.
gnomAD v4.1: 5 of 1,548,242 alleles (0.00032%); highest among the groups gnomAD compares: African/African-American, 0.0055%; no homozygotes.

Submission:

Labcorp Genetics (formerly Invitae), Labcorp
Classification: Uncertain significance. Last evaluated: 2022-06-27. Review status: criteria provided, single submitter. Criteria: Invitae Variant Classification Sherloc (09022015). Collection method: clinical testing. Allele origin: germline.
Comment: Algorithms developed to predict the effect of sequence changes on RNA splicing suggest that this variant may disrupt the consensus splice site. In summary, the available evidence is currently insufficient to determine the role of this variant in disease. Therefore, it has been classified as a Variant of Uncertain Significance. This sequence change falls in intron 6 of the DTHD1 gene. It does not directly change the encoded amino acid sequence of the DTHD1 protein. This variant is present in population databases (no rsID available, gnomAD 0.01%). This variant has not been reported in the literature in individuals affected with DTHD1-related conditions.